The following is an entry in ClinVar:

ClinVar aggregate classification (germline): Uncertain significance (1 of 4 stars; one submission).

Conditions:
Peroxisome biogenesis disorder 11A (Zellweger). Also called: Peroxisome biogenesis disorder 11A. Identifiers: Orphanet 912, MedGen C3554000, MONDO:0013949, OMIM 614883.

Allele frequency attached by ClinVar (database versions not stated): gnomAD exomes below 0.00001; TOPMed below 0.00001; gnomAD 0.00001.

Submission:

Labcorp Genetics (formerly Invitae), Labcorp
Classification: Uncertain significance for Peroxisome biogenesis disorder 11A (Zellweger). Last evaluated: 2021-12-02. Review status: criteria provided, single submitter. Criteria: Invitae Variant Classification Sherloc (09022015). Collection method: clinical testing. Allele origin: germline.
Comment: This sequence change replaces methionine, which is neutral and non-polar, with valine, which is neutral and non-polar, at codon 145 of the PEX13 protein (p.Met145Val). This variant is not present in population databases (gnomAD no frequency). This variant has not been reported in the literature in individuals affected with PEX13-related conditions. Algorithms developed to predict the effect of missense changes on protein structure and function (SIFT, PolyPhen-2, Align-GVGD) all suggest that this variant is likely to be tolerated. In summary, the available evidence is currently insufficient to determine the role of this variant in disease. Therefore, it has been classified as a Variant of Uncertain Significance.

NM_002618.4(PEX13):c.433A>G (p.Met145Val)

Gene: PEX13 (peroxisomal biogenesis factor 13; plus strand). Cytogenetic location: 2p15.
Variant type: single nucleotide variant.
Coding change: c.433A>G on transcript NM_002618.4 (MANE Select); coding-DNA position 433, A replaced by G.
Protein change: p.Met145Val; replaces methionine 145 with valine.
Molecular consequence: missense variant.
Genome position (GRCh38, 1-based): chr2:61,031,759, A>G. VCF-style: chr2-61031759-A-G. GRCh37 (hg19) VCF-style: chr2-61258894-A-G.
Other names: short protein forms M145V.
Identifiers: ClinVar variation 1496563 (VCV001496563.3), dbSNP rs1345860074, ClinGen allele CA346942678.